The following is an entry in ClinVar:

NM_000137.4(FAH):c.266del (p.Leu89fs)

Gene: FAH (fumarylacetoacetate hydrolase; plus strand). Cytogenetic location: 15q25.1.
Variant type: Deletion.
Coding change: c.266del on transcript NM_000137.4 (MANE Select); coding-DNA position 266, one base deleted (T; older notation c.266delT).
Protein change: p.Leu89fs; shifts the reading frame from leucine 89.
Molecular consequence: frameshift variant.
Genome position (GRCh38, 1-based): chr15:80,159,829, T deleted. VCF-style (leftmost placement, unchanged base first): chr15-80159828-CT-C. GRCh37 (hg19) VCF-style: chr15-80452170-CT-C.
Other names: c.266del, p.Leu89fs (NM_001374377.1, NM_001374380.1); short protein forms L89fs.
Identifiers: ClinVar variation 3064457 (VCV003064457.3), dbSNP rs1236161088, ClinGen allele CA619267011.

ClinVar aggregate classification (germline): Conflicting classifications of pathogenicity. Review status: criteria provided, conflicting classifications (1 of 4 stars). 2 submissions from 2 submitters: Pathogenic (1); Uncertain significance (1). Last evaluated 2025-08-13.

Conditions:
Tyrosinemia type I (TYRSN1). Also called: Tyrosinemia type 1; Fumarylacetoacetase deficiency; Deficiency of fumarylacetoacetase; HEPATORENAL TYROSINEMIA; FAH DEFICIENCY. Identifiers: Orphanet 882, MedGen C0268490, MONDO:0010161, OMIM 276700. Disease mechanism: loss of function.

Allele frequency attached by ClinVar (database versions not stated): TOPMed below 0.00001.

Submissions (2):

Myriad Genetics, Inc.
Classification: Pathogenic for Tyrosinemia type I. Last evaluated: 2025-08-13. Review status: criteria provided, single submitter. Criteria: Myriad Autosomal Dominant, Autosomal Recessive and X-Linked Classification Criteria (2023). Collection method: clinical testing. Allele origin: unknown.
Comment: NM_000137.2(FAH):c.266delT(L89Rfs*3) is expected to be pathogenic in the context of tyrosinemia type I. This variant is predicted to lead to an abnormal or absent protein product due to the creation of a premature termination codon in FAH, a gene where loss-of-function variants are known to be pathogenic. Please note: this variant was assessed in the context of healthy population screening.

Genomic Medicine Center of Excellence, King Faisal Specialist Hospital and Research Centre
Classification: Uncertain significance for Tyrosinemia type I. Last evaluated: 2024-03-25. Review status: criteria provided, single submitter. Criteria: ACMG Guidelines, 2015. Collection method: research. Allele origin: germline.